The following is an entry in ClinVar:

ClinVar aggregate classification (germline): Uncertain significance. Review status: criteria provided, multiple submitters, no conflicts (2 of 4 stars). 2 submissions from 2 submitters: Uncertain significance (2). Last evaluated 2024-07-04.

Allele frequency attached by ClinVar (database versions not stated): gnomAD 0.00001; gnomAD exomes 0.00001 and 0.00002; ExAC 0.00002; TOPMed 0.00002.

Submissions (2):

Blueprint Genetics
Classification: Uncertain significance. Last evaluated: 2024-07-04. Review status: criteria provided, single submitter. Criteria: ACMG Guidelines, 2015. Collection method: clinical testing. Allele origin: germline.

Labcorp Genetics (formerly Invitae), Labcorp
Classification: Uncertain significance. Last evaluated: 2023-08-04. Review status: criteria provided, single submitter. Criteria: Invitae Variant Classification Sherloc (09022015). Collection method: clinical testing. Allele origin: germline.
Comment: This sequence change replaces arginine, which is basic and polar, with glutamine, which is neutral and polar, at codon 679 of the GPR179 protein (p.Arg679Gln). This variant is present in population databases (rs755161924, gnomAD 0.003%). This variant has not been reported in the literature in individuals affected with GPR179-related conditions. ClinVar contains an entry for this variant (Variation ID: 1515692). An algorithm developed to predict the effect of missense changes on protein structure and function (PolyPhen-2) suggests that this variant is likely to be disruptive. In summary, the available evidence is currently insufficient to determine the role of this variant in disease. Therefore, it has been classified as a Variant of Uncertain Significance.

NM_001004334.4(GPR179):c.2036G>A (p.Arg679Gln)

Gene: GPR179 (G protein-coupled receptor 179; minus strand). Cytogenetic location: 17q12.
Variant type: single nucleotide variant.
Coding change: c.2036G>A on transcript NM_001004334.4 (MANE Select); coding-DNA position 2036, G replaced by A.
Protein change: p.Arg679Gln; replaces arginine 679 with glutamine.
Molecular consequence: missense variant.
Genome position (GRCh38, 1-based): chr17:38,333,252, C>T on the plus strand (G>A on the coding strand, the complement: GPR179 is on the minus strand). VCF-style: chr17-38333252-C-T. GRCh37 (hg19) VCF-style: chr17-36489135-C-T.
Other names: short protein forms R679Q.
Identifiers: ClinVar variation 1515692 (VCV001515692.7), dbSNP rs755161924, ClinGen allele CA290106810.